The following is an entry in ClinVar:

ClinVar aggregate classification (germline): Uncertain significance (1 of 4 stars; one submission).

Conditions:
Alstrom syndrome (ALMS). Identifiers: Orphanet 64, MedGen C0268425, MONDO:0008763, OMIM 203800.

Allele frequency attached by ClinVar (database versions not stated): TOPMed below 0.00001.

Submission:

Labcorp Genetics (formerly Invitae), Labcorp
Classification: Uncertain significance for Alstrom syndrome. Last evaluated: 2026-01-20. Review status: criteria provided, single submitter. Criteria: Invitae Variant Classification Sherloc (09022015). Collection method: clinical testing. Allele origin: germline.
Comment: This sequence change replaces proline, which is neutral and non-polar, with serine, which is neutral and polar, at codon 2111 of the ALMS1 protein (p.Pro2111Ser). This variant is not present in population databases (gnomAD no frequency). This variant has not been reported in the literature in individuals affected with ALMS1-related conditions. ClinVar contains an entry for this variant (Variation ID: 1475869). Experimental studies and prediction algorithms are not available or were not evaluated, and the functional significance of this variant is currently unknown. In summary, the available evidence is currently insufficient to determine the role of this variant in disease. Therefore, it has been classified as a Variant of Uncertain Significance.

NM_001378454.1(ALMS1):c.6328C>T (p.Pro2110Ser)

Gene: ALMS1 (ALMS1 centrosome and basal body associated protein; plus strand). Cytogenetic location: 2p13.1.
Variant type: single nucleotide variant.
Coding change: c.6328C>T on transcript NM_001378454.1 (MANE Select); coding-DNA position 6328, C replaced by T.
Protein change: p.Pro2110Ser; replaces proline 2110 with serine.
Molecular consequence: missense variant.
Genome position (GRCh38, 1-based): chr2:73,452,855, C>T. VCF-style: chr2-73452855-C-T. GRCh37 (hg19) VCF-style: chr2-73679982-C-T.
Other names: c.6331C>T, p.Pro2111Ser (NM_015120.4); short protein forms P2110S, P2111S.
Identifiers: ClinVar variation 1475869 (VCV001475869.4), dbSNP rs1243321319, ClinGen allele CA347285699.